The following is an entry in ClinVar:

NM_000587.4(C7):c.2074+1G>A

Gene: C7 (complement C7; plus strand). Cytogenetic location: 5p13.1.
Variant type: single nucleotide variant.
Coding change: c.2074+1G>A on transcript NM_000587.4 (MANE Select); the canonical splice donor site of the intron after coding-DNA position 2074, G replaced by A.
Molecular consequence: splice donor variant.
Genome position (GRCh38, 1-based): chr5:40,972,595, G>A. VCF-style: chr5-40972595-G-A. GRCh37 (hg19) VCF-style: chr5-40972697-G-A.
Identifiers: ClinVar variation 2788215 (VCV002788215.3), dbSNP rs1740724748, ClinGen allele CA359593742.

ClinVar aggregate classification (germline): Likely pathogenic (1 of 4 stars; one submission).

Allele frequency attached by ClinVar (database versions not stated): gnomAD exomes below 0.00001.

Submission:

Labcorp Genetics (formerly Invitae), Labcorp
Classification: Likely pathogenic. Last evaluated: 2023-01-28. Review status: criteria provided, single submitter. Criteria: Invitae Variant Classification Sherloc (09022015). Collection method: clinical testing. Allele origin: germline.
Comment: This variant has not been reported in the literature in individuals affected with C7-related conditions. In summary, the currently available evidence indicates that the variant is pathogenic, but additional data are needed to prove that conclusively. Therefore, this variant has been classified as Likely Pathogenic. Algorithms developed to predict the effect of sequence changes on RNA splicing suggest that this variant may disrupt the consensus splice site. This variant is not present in population databases (gnomAD no frequency). This sequence change affects a donor splice site in intron 15 of the C7 gene. It is expected to disrupt RNA splicing. Variants that disrupt the donor or acceptor splice site typically lead to a loss of protein function (PMID: 16199547), and loss-of-function variants in C7 are known to be pathogenic (PMID: 9856499, 17407100).

Literature cited by the submitters: PubMed 16199547; PubMed 9856499; PubMed 17407100.